The following is an entry in ClinVar:

ClinVar aggregate classification (germline): Uncertain significance (1 of 4 stars; one submission).

Conditions:
Epidermolysis bullosa simplex with nail dystrophy (EBS5D). Identifiers: MedGen C4225309, MONDO:0014661, OMIM 616487.
Epidermolysis bullosa simplex, Ogna type (EBS5A). Also called: EPIDERMOLYSIS BULLOSA SIMPLEX 5A, OGNA TYPE; Pidermolysis bullosa simplex 5A, Ogna type. Identifiers: Orphanet 79401, MedGen C0432317, MONDO:0007555, OMIM 131950.
Autosomal recessive limb-girdle muscular dystrophy type 2Q (LGMDR17). Also called: MUSCULAR DYSTROPHY, LIMB-GIRDLE, AUTOSOMAL RECESSIVE 17. Identifiers: Orphanet 254361, MedGen C3150989, MONDO:0013390, OMIM 613723.
Epidermolysis bullosa simplex 5B, with muscular dystrophy (EBS5B). Also called: EPIDERMOLYSIS BULLOSA SIMPLEX AND LIMB-GIRDLE MUSCULAR DYSTROPHY; Epidermolysis bullosa simplex with muscular dystrophy. Identifiers: Orphanet 257, MedGen C2931072, MONDO:0009181, OMIM 226670.
Epidermolysis bullosa simplex 5C, with pyloric atresia (EBS5C). Also called: PLEC-Related Epidermolysis Bullosa with Pyloric Atresia; Epidermolysis bullosa simplex with pyloric atresia; PLEC1-Related Epidermolysis Bullosa with Pyloric Atresia. Identifiers: Orphanet 158684, MedGen C2677349, MONDO:0012807, OMIM 612138.

gnomAD v4.1: 5 of 1,599,650 alleles (0.00031%); highest among the groups gnomAD compares: South Asian, 0.0011%; no homozygotes.

Submission:

Labcorp Genetics (formerly Invitae), Labcorp
Classification: Uncertain significance for Autosomal recessive limb-girdle muscular dystrophy type 2Q; Epidermolysis bullosa simplex, Ogna type; Epidermolysis bullosa simplex with nail dystrophy; Epidermolysis bullosa simplex 5C, with pyloric atresia; Epidermolysis bullosa simplex 5B, with muscular dystrophy. Last evaluated: 2025-10-18. Review status: criteria provided, single submitter. Criteria: Invitae Variant Classification Sherloc (09022015). Collection method: clinical testing. Allele origin: germline.
Comment: This sequence change replaces leucine, which is neutral and non-polar, with valine, which is neutral and non-polar, at codon 2365 of the PLEC protein (p.Leu2365Val). This variant is present in population databases (no rsID available, gnomAD 0.004%). This variant has not been reported in the literature in individuals affected with PLEC-related conditions. An algorithm developed to predict the effect of missense changes on protein structure and function (PolyPhen-2) suggests that this variant is likely to be disruptive. In summary, the available evidence is currently insufficient to determine the role of this variant in disease. Therefore, it has been classified as a Variant of Uncertain Significance.

NM_201384.3(PLEC):c.7012C>G (p.Leu2338Val)

Gene: PLEC (plectin; minus strand). Cytogenetic location: 8q24.3.
Variant type: single nucleotide variant.
Coding change: c.7012C>G on transcript NM_201384.3 (MANE Select); coding-DNA position 7012, C replaced by G.
Protein change: p.Leu2338Val; replaces leucine 2338 with valine.
Molecular consequence: missense variant. On other transcripts: intron variant (1).
Genome position (GRCh38, 1-based): chr8:143,922,917, G>C on the plus strand (C>G on the coding strand, the complement: PLEC is on the minus strand). VCF-style: chr8-143922917-G-C. GRCh37 (hg19) VCF-style: chr8-144997085-G-C.
Other names: c.7093C>G, p.Leu2365Val (NM_000445.5); c.6970C>G, p.Leu2324Val (NM_201378.4); c.6946C>G, p.Leu2316Val (NM_201379.3); c.7423C>G, p.Leu2475Val (NM_201380.4); c.6916C>G, p.Leu2306Val (NM_201381.3); c.7012C>G, p.Leu2338Val (NM_201382.4); c.7024C>G, p.Leu2342Val (NM_201383.3); c.4126-522C>G (NM_001410941.1); short protein forms L2316V, L2306V, L2324V, L2338V, L2475V, L2342V, L2365V.
Identifiers: ClinVar variation 4789481 (VCV004789481.1).